The following is an entry in ClinVar:

ClinVar aggregate classification (germline): Uncertain significance (1 of 4 stars; one submission).

Submission:

Laboratory for Molecular Medicine, Mass General Brigham Personalized Medicine
Classification: Uncertain significance. Last evaluated: 2019-02-13. Review status: criteria provided, single submitter. Criteria: LMM Criteria. Collection method: clinical testing. Allele origin: germline. Observed: 1 variant allele.
Comment: Variant classified as Uncertain Significance - Favor Benign. The c.5766-13_5766-2dup variant in MYH9 has not been previously reported in individuals with hearing loss or macrothrombocytopenia. Data from large population studies is insufficient to assess the frequency of this variant. This variant is a duplication of 11 nucleotides in the 3' splice region and encompasses the splice consensus sequence. Computational tools do not predict an impact to splicing, though this information is not predictive enough to rule out pathogenicity. In summary, while the clinical significance of this variant is uncertain, the computational data suggest that it is more likely to be benign. ACMG/AMP Criteria applied: BP4.

NM_002473.6(MYH9):c.5766-13_5766-2dup

Gene: MYH9 (myosin heavy chain 9; minus strand). Cytogenetic location: 22q12.3.
Variant type: Duplication.
Coding change: c.5766-13_5766-2dup on transcript NM_002473.6 (MANE Select); 13 bases into the intron before coding-DNA position 5766 through the canonical splice acceptor site of the intron before coding-DNA position 5766, 12 bases duplicated (CCTCTGCCCCCA).
Molecular consequence: splice acceptor variant.
Genome position (GRCh38, 1-based): chr22:36,282,787-36,282,798, TGGGGGCAGAGG duplicated on the plus strand (CCTCTGCCCCCA on the coding strand, the reverse complement: MYH9 is on the minus strand); duplicating any 12 consecutive bases within chr22:36,282,787-36,282,799 gives the same sequence; the c. name uses the placement nearest the transcript's 3' end. VCF-style (leftmost placement, unchanged base first): chr22-36282786-C-CTGGGGGCAGAGG. GRCh37 (hg19) VCF-style: chr22-36678832-C-CTGGGGGCAGAGG.
Identifiers: ClinVar variation 666868 (VCV000666868.5), dbSNP rs1603482655, ClinGen allele CA915951363.